The following is an entry in ClinVar:

ClinVar aggregate classification (germline): Pathogenic/Likely pathogenic. Review status: criteria provided, multiple submitters, no conflicts (2 of 4 stars). 2 submissions from 2 submitters: Pathogenic (1); Likely pathogenic (1). Last evaluated 2025-07-18.

Conditions:
COL2A1-related disorder. Also called: COL2A1-related condition; COL2A1-related disorders.

Submissions (2):

3billion
Classification: Likely pathogenic for COL2A1-related disorder. Last evaluated: 2025-07-18. Review status: criteria provided, single submitter. Criteria: ACMG Guidelines, 2015. Collection method: clinical testing. Allele origin: germline. Affected: yes.
Comment: The variant is not observed in the gnomAD v4.1.0 dataset. Predicted Consequence/Location: The variant is located in a mutational hot spot and/or well-established functional domain in which established pathogenic variants have been reported (PMID: 26626311). In silico tool predictions suggest damaging effect of the variant on gene or gene product [REVEL: 0.99 (>=0.6, sensitivity 0.68 and specificity 0.92); 3Cnet: 0.99 (> 0.75, sensitivity 0.96 and precision 0.92)]. The same nucleotide change resulting in the same amino acid change has been previously reported to be associated with COL2A1-related disorder (ClinVar ID: VCV001199820). Different missense changes at the same codon (p.Gly711Arg, p.Gly711Ser) have been reported as pathogenic/likely pathogenic with strong evidence (ClinVar ID: VCV002131579, VCV002573872 /PMID: 26377240 /3billion dataset). Therefore, this variant is classified as Likely pathogenic according to the recommendation of ACMG/AMP guideline.

GeneDx
Classification: Pathogenic. Last evaluated: 2020-04-07. Review status: criteria provided, single submitter. Criteria: GeneDx Variant Classification Process June 2021. Collection method: clinical testing. Allele origin: germline. Affected: yes.
Comment: Occurs in the triple helical domain and replaces the glycine in the canonical Gly-X-Y repeat; missense substitution of a canonical glycine residue is expected to disrupt normal protein folding and function, and this is an established mechanism of disease (Stenson et al., 2014); In silico analysis, which includes protein predictors and evolutionary conservation, supports a deleterious effect; Has not been previously published as pathogenic or benign to our knowledge; Not observed in large population cohorts (Lek et al., 2016)

Literature cited by the submitters: PubMed 26377240 (cited by 3billion).

NM_001844.5(COL2A1):c.2132G>A (p.Gly711Asp)

Gene: COL2A1 (collagen type II alpha 1 chain; minus strand). Cytogenetic location: 12q13.11.
Variant type: single nucleotide variant.
Coding change: c.2132G>A on transcript NM_001844.5 (MANE Select); coding-DNA position 2132, G replaced by A.
Protein change: p.Gly711Asp; replaces glycine 711 with aspartic acid.
Molecular consequence: missense variant.
Genome position (GRCh38, 1-based): chr12:47,982,909, C>T on the plus strand (G>A on the coding strand, the complement: COL2A1 is on the minus strand). VCF-style: chr12-47982909-C-T. GRCh37 (hg19) VCF-style: chr12-48376692-C-T.
Other names: c.1925G>A, p.Gly642Asp (NM_033150.3); short protein forms G642D, G711D.
Identifiers: ClinVar variation 1199820 (VCV001199820.4), dbSNP rs2136551433, ClinGen allele CA384547070.
Genomic context (GRCh38, chr12:47,982,909, plus strand): 5'-TTGGGACCATCAGTGCCAGGAGTGCCGGGGAGGCCACGGGGACCCTGGAGGCCCTGGGCA[C>T]CGGGAGAGCCACGTTCACCTGGGAAACCTCGTTCACCCTGCGGCAGAGACACCAAGAAGT-3'
Protein context (NP_001835.3, residues 701-721): RGFPGERGSP[Gly711Asp]AQGLQGPRGL